The following is an entry in ClinVar:

NM_020778.5(ALPK3):c.2186C>A (p.Ala729Glu)

Gene: ALPK3 (alpha kinase 3; plus strand). Cytogenetic location: 15q25.3.
Variant type: single nucleotide variant.
Coding change: c.2186C>A on transcript NM_020778.5 (MANE Select); coding-DNA position 2186, C replaced by A.
Protein change: p.Ala729Glu; replaces alanine 729 with glutamic acid.
Molecular consequence: missense variant.
Genome position (GRCh38, 1-based): chr15:84,856,924, C>A. VCF-style: chr15-84856924-C-A. GRCh37 (hg19) VCF-style: chr15-85400155-C-A.
Other names: short protein forms A729E.
Identifiers: ClinVar variation 4044606 (VCV004044606.1).
Genomic context (GRCh38, chr15:84,856,924, plus strand): 5'-GGACGCAGTCAGAGGGGAGCGCGCCCACAGCCATGGAAGGTCAGTCTGAGCAAGAGGTGG[C>A]AACCAGCCTCGGCCCACCATCCAGAACCCCCAAACTCCCACCTACAGCGGGTCCTAGAGC-3'
Protein context (NP_065829.4, residues 719-739): AMEGQSEQEV[Ala729Glu]TSLGPPSRTP

ClinVar aggregate classification (germline): Uncertain significance (1 of 4 stars; one submission).

Conditions:
Cardiovascular phenotype. Identifiers: MedGen CN230736.

gnomAD v4.1: 11 of 1,614,024 alleles (0.00068%); highest among the groups gnomAD compares: Non-Finnish European, 0.00093%; no homozygotes.

Submission:

Ambry Genetics
Classification: Uncertain significance for Cardiovascular phenotype. Last evaluated: 2025-04-10. Review status: criteria provided, single submitter. Criteria: Ambry Variant Classification Scheme 2023. Collection method: clinical testing. Allele origin: germline.
Comment: The p.A931E variant (also known as c.2792C>A), located in coding exon 6 of the ALPK3 gene, results from a C to A substitution at nucleotide position 2792. The alanine at codon 931 is replaced by glutamic acid, an amino acid with dissimilar properties. This amino acid position is conserved. In addition, this alteration is predicted to be tolerated by in silico analysis. Based on the available evidence, the clinical significance of this variant remains unclear.